The following is an entry in ClinVar:

NM_001136219.3(FCGR2A):c.780+1G>A

Gene: FCGR2A (Fc gamma receptor IIa; plus strand). Cytogenetic location: 1q23.3.
Variant type: single nucleotide variant.
Coding change: c.780+1G>A on transcript NM_001136219.3 (MANE Select); the canonical splice donor site of the intron after coding-DNA position 780, G replaced by A.
Molecular consequence: splice donor variant.
Genome position (GRCh38, 1-based): chr1:161,513,933, G>A. VCF-style: chr1-161513933-G-A. GRCh37 (hg19) VCF-style: chr1-161483723-G-A.
Other names: NC_000001.10:g.161483723G>A; c.657+1G>A (NM_001375296.1); c.777+1G>A (NM_021642.5); c.654+1G>A (NM_001375297.1).
Identifiers: ClinVar variation 1675086 (VCV001675086.4), dbSNP rs409763, ClinGen allele CA1210771.
Genomic context (GRCh38, chr1:161,513,933, plus strand): 5'-ATCTTTTTCTTTTTCCCCACAGCCAATTCCACTGATCCTGTGAAGGCTGCCCAATTTGAG[G>A]TGAGTAATCCCAGCCATCTCCTTTTCCTCCTGCCTTGTCCCTTCTCTCCTGTTTCCTCTC-3'

ClinVar aggregate classification (germline): Uncertain significance. Review status: criteria provided, multiple submitters, no conflicts (2 of 4 stars). 2 submissions from 2 submitters: Uncertain significance (2).

Conditions:
Malaria, susceptibility to. Identifiers: Orphanet 673, MedGen C1970028, MONDO:0021024, OMIM 611162.
Systemic lupus erythematosus (SLE). Identifiers: Orphanet 536, MedGen C0024141, MONDO:0007915, OMIM 152700, HP:0002725.
Cystic fibrosis (CF). Also called: MUCOVISCIDOSIS. Identifiers: Orphanet 586, MedGen C0010674, MONDO:0009061, OMIM 219700. Disease mechanism: loss of function.

Allele frequency attached by ClinVar (database versions not stated): ExAC 0.00163.

Submissions (16):

Breakthrough Genomics
Classification: Uncertain significance. Review status: criteria provided, single submitter. Criteria: ACMG Guidelines, 2015. Collection method: not provided. Allele origin: germline. Inheritance: Autosomal recessive inheritance. Affected: yes.

Center for Genomics, Ann and Robert H. Lurie Children's Hospital of Chicago
Classification: Uncertain significance for Systemic lupus erythematosus; Malaria, susceptibility to; Cystic fibrosis. Review status: criteria provided, single submitter. Criteria: ACMG Guidelines, 2015. Collection method: clinical testing. Allele origin: germline.
Comment: FCGR2A NM_021642.3 intron 6 c.777+1G>A:This variant has not been reported in the literature but is present in 0.1% (20/13900) of Latino alleles in the Genome Aggregation Database. Evolutionary conservation and computational predictive tools for this variant are limited or unavailable. Of note, this variant alters the consensus splice sequence (+/- 1,2) which is predicted to result in an absent or abnormal protein. However, there is insufficient evidence to establish loss of function (LOF) as a mechanism of disease for this gene at this time. In summary, data on this variant is insufficient for disease classification. Therefore, the clinical significance of this variant is uncertain.

Dr. Peter K. Rogan Lab, Western University
No classification provided (evidence only). Condition: Nonpapillary renal cell carcinoma. Review status: no classification provided. Collection method: in vitro. Allele origin: not applicable. Functional consequence: retained intron. Not counted in ClinVar's aggregate classification.

Dr. Peter K. Rogan Lab, Western University
No classification provided (evidence only). Condition: Malignant tumor of esophagus. Review status: no classification provided. Collection method: in vitro. Allele origin: not applicable. Functional consequence: retained intron. Not counted in ClinVar's aggregate classification.

Dr. Peter K. Rogan Lab, Western University
No classification provided (evidence only). Condition: Malignant tumor of esophagus. Review status: no classification provided. Collection method: in vitro. Allele origin: not applicable. Functional consequence: retained intron. Not counted in ClinVar's aggregate classification.

Dr. Peter K. Rogan Lab, Western University
No classification provided (evidence only). Condition: Malignant tumor of esophagus. Review status: no classification provided. Collection method: in vitro. Allele origin: not applicable. Functional consequence: skipped exon. Not counted in ClinVar's aggregate classification.

Dr. Peter K. Rogan Lab, Western University
No classification provided (evidence only). Condition: Familial pancreatic carcinoma. Review status: no classification provided. Collection method: in vitro. Allele origin: not applicable. Functional consequence: skipped exon, retained intron. Not counted in ClinVar's aggregate classification.

Dr. Peter K. Rogan Lab, Western University
No classification provided (evidence only). Condition: Clear cell carcinoma of kidney. Review status: no classification provided. Collection method: in vitro. Allele origin: not applicable. Functional consequence: skipped exon. Not counted in ClinVar's aggregate classification.

Dr. Peter K. Rogan Lab, Western University
No classification provided (evidence only). Condition: Familial cancer of breast. Review status: no classification provided. Collection method: in vitro. Allele origin: not applicable. Functional consequence: retained intron. Not counted in ClinVar's aggregate classification.

Dr. Peter K. Rogan Lab, Western University
No classification provided (evidence only). Condition: Familial cancer of breast. Review status: no classification provided. Collection method: in vitro. Allele origin: not applicable. Functional consequence: skipped exon. Not counted in ClinVar's aggregate classification.

Dr. Peter K. Rogan Lab, Western University
No classification provided (evidence only). Condition: Familial cancer of breast. Review status: no classification provided. Collection method: in vitro. Allele origin: not applicable. Functional consequence: retained intron. Not counted in ClinVar's aggregate classification.

Dr. Peter K. Rogan Lab, Western University
No classification provided (evidence only). Condition: Colon adenocarcinoma. Review status: no classification provided. Collection method: in vitro. Allele origin: not applicable. Functional consequence: retained intron. Not counted in ClinVar's aggregate classification.

Dr. Peter K. Rogan Lab, Western University
No classification provided (evidence only). Condition: Cervical cancer. Review status: no classification provided. Collection method: in vitro. Allele origin: not applicable. Functional consequence: skipped exon. Not counted in ClinVar's aggregate classification.

Dr. Peter K. Rogan Lab, Western University
No classification provided (evidence only). Condition: Nonpapillary renal cell carcinoma. Review status: no classification provided. Collection method: in vitro. Allele origin: not applicable. Functional consequence: retained intron. Not counted in ClinVar's aggregate classification.

Dr. Peter K. Rogan Lab, Western University
No classification provided (evidence only). Condition: Nonpapillary renal cell carcinoma. Review status: no classification provided. Collection method: in vitro. Allele origin: not applicable. Functional consequence: retained intron. Not counted in ClinVar's aggregate classification.

Dr. Peter K. Rogan Lab, Western University
No classification provided (evidence only). Condition: Nonpapillary renal cell carcinoma. Review status: no classification provided. Collection method: in vitro. Allele origin: not applicable. Functional consequence: retained intron. Not counted in ClinVar's aggregate classification.